The following is an entry in ClinVar:

ClinVar aggregate classification (germline): Conflicting classifications of pathogenicity. Review status: criteria provided, conflicting classifications (1 of 4 stars). 2 submissions from 2 submitters: Likely pathogenic (1); Uncertain significance (1). Last evaluated 2022-09-01.

Conditions:
TH-deficient dopa-responsive dystonia. Also called: Segawa syndrome, autosomal recessive; DYT-TH; Tyrosine Hydroxylase-Deficient Dopa-Responsive Dystonia. Identifiers: Orphanet 101150, MedGen C2673535, MONDO:0011551, OMIM 605407.

Allele frequency attached by ClinVar (database versions not stated): ExAC 0.00002; TOPMed 0.00002.
gnomAD v4.1: 8 of 1,612,964 alleles (0.0005%); highest among the groups gnomAD compares: East Asian, 0.018%; no homozygotes.

Submissions (2):

Women's Health and Genetics/Laboratory Corporation of America, LabCorp
Classification: Uncertain significance. Last evaluated: 2022-09-01. Review status: criteria provided, single submitter. Criteria: LabCorp Variant Classification Summary - May 2015. Collection method: clinical testing. Allele origin: germline.
Comment: Variant summary: TH c.56C>G (p.Ser19Cys) results in a non-conservative amino acid change in the encoded protein sequence. Five of five in-silico tools predict a damaging effect of the variant on protein function. The variant allele was found at a frequency of 1.2e-05 in 249136 control chromosomes. The available data on variant occurrences in the general population are insufficient to allow any conclusion about variant significance. c.56C>G has been reported in the literature as a non-informative heterozygous genotype in at-least one individual affected with sporadic Dopa-responsive dystonia with subsequent citations by others (example, Cai_2013). These report(s) do not provide unequivocal conclusions about association of the variant with Segawa Syndrome, Autosomal Recessive. To our knowledge, no experimental evidence demonstrating an impact on protein function has been reported. No clinical diagnostic laboratories have submitted clinical-significance assessments for this variant to ClinVar after 2014. Based on the evidence outlined above, the variant was classified as uncertain significance.

Department of Neurology, Xijing Hospital, Fourth Military Medical University
Classification: Likely pathogenic for TH-deficient dopa-responsive dystonia. Last evaluated: 2022-03-01. Review status: criteria provided, single submitter. Criteria: ACMG Guidelines, 2015. Collection method: clinical testing. Allele origin: germline.

Literature cited by the submitters: PubMed 24753243 (cited by Women's Health and Genetics/Laboratory Corporation of America, LabCorp); PubMed 23762320 (cited by Women's Health and Genetics/Laboratory Corporation of America, LabCorp); PubMed 29126763 (cited by Women's Health and Genetics/Laboratory Corporation of America, LabCorp).

NM_000360.4(TH):c.56C>G (p.Ser19Cys)

Gene: TH (tyrosine hydroxylase; minus strand). Cytogenetic location: 11p15.5.
Variant type: single nucleotide variant.
Coding change: c.56C>G on transcript NM_000360.4 (MANE Select); coding-DNA position 56, C replaced by G.
Protein change: p.Ser19Cys; replaces serine 19 with cysteine.
Molecular consequence: missense variant.
Genome position (GRCh38, 1-based): chr11:2,171,731, G>C on the plus strand (C>G on the coding strand, the complement: TH is on the minus strand). VCF-style: chr11-2171731-G-C. GRCh37 (hg19) VCF-style: chr11-2192961-G-C.
Other names: c.56C>G, p.Ser19Cys (NM_199292.3, NM_199293.3); c.56C>G (NM_199292.2); short protein forms S19C.
Identifiers: ClinVar variation 1698423 (VCV001698423.1), dbSNP rs766704202, ClinGen allele CA5818875.
Genomic context (GRCh38, chr11:2,171,731, plus strand): 5'-CGCCGGGCACCTACCTGCCCTCTTACCATGATGGCCTCTGCCTGCTTGGCGTCCAGCTCA[G>C]ACACGGCCCTGCGGAAGCCCTTGGCCTGTGGCGTGGTGGCGTCGGGGGTGGGCATGGCTC-3'
Protein context (NP_000351.2, residues 9-29): PQAKGFRRAV[Ser19Cys]ELDAKQAEAI